The following is an entry in ClinVar:

NM_016128.4(COPG1):c.2590C>A (p.Leu864Met)

Gene: COPG1 (coat protein complex I subunit gamma 1; plus strand). Cytogenetic location: 3q21.3.
Variant type: single nucleotide variant.
Coding change: c.2590C>A on transcript NM_016128.4 (MANE Select); coding-DNA position 2590, C replaced by A.
Protein change: p.Leu864Met; replaces leucine 864 with methionine.
Molecular consequence: missense variant.
Genome position (GRCh38, 1-based): chr3:129,277,389, C>A. VCF-style: chr3-129277389-C-A. GRCh37 (hg19) VCF-style: chr3-128996232-C-A.
Other names: c.2590C>A (NM_016128.3); short protein forms L864M.
Identifiers: ClinVar variation 2654122 (VCV002654122.25), dbSNP rs749354777, ClinGen allele CA2604234.
Genomic context (GRCh38, chr3:129,277,389, plus strand): 5'-TCCCGGCTGCTGCTTTTGGACACAGTGACAATGCAGGTGACAGCCAGAAGTTTGGAGGAG[C>A]TGCCAGTAGACATCATCTTGGCATCTGTGGGATAAGAGGCCAGCCTGCATAGGACCTCAT-3'
Protein context (NP_057212.1, residues 854-874): MQVTARSLEE[Leu864Met]PVDIILASVG

ClinVar aggregate classification (germline): Uncertain significance. Review status: criteria provided, multiple submitters, no conflicts (2 of 4 stars). 2 submissions from 2 submitters: Uncertain significance (2). Last evaluated 2025-08-14.

Allele frequency attached by ClinVar (database versions not stated): TOPMed below 0.00001; ExAC 0.00001.
gnomAD v4.1: 11 of 1,614,008 alleles (0.00068%); highest among the groups gnomAD compares: Non-Finnish European, 0.00093%; no homozygotes.

Submissions (2):

Ambry Genetics
Classification: Uncertain significance. Last evaluated: 2025-08-14. Review status: criteria provided, single submitter. Criteria: Ambry Variant Classification Scheme 2023. Collection method: clinical testing. Allele origin: germline.

CeGaT Center for Human Genetics Tuebingen
Classification: Uncertain significance. Last evaluated: 2023-03-01. Review status: criteria provided, single submitter. Criteria: CeGaT Center For Human Genetics Tuebingen Variant Classification Criteria Version 2. Collection method: clinical testing. Allele origin: germline. Affected: yes. Observed: 1 variant allele.
Comment: COPG1: PM2, BP4